The following is an entry in ClinVar:

ClinVar aggregate classification (germline): Uncertain significance (1 of 4 stars; one submission).

Conditions:
Cystic fibrosis (CF). Also called: MUCOVISCIDOSIS. Identifiers: Orphanet 586, MedGen C0010674, MONDO:0009061, OMIM 219700. Disease mechanism: loss of function.

Allele frequency attached by ClinVar (database versions not stated): TOPMed 0.00001.

Submission:

Ambry Genetics
Classification: Uncertain significance for Cystic fibrosis. Last evaluated: 2021-09-23. Review status: criteria provided, single submitter. Criteria: Ambry Variant Classification Scheme 2023. Collection method: clinical testing. Allele origin: germline.
Comment: The p.L1356S variant (also known as c.4067T>C), located in coding exon 25 of the CFTR gene, results from a T to C substitution at nucleotide position 4067. The leucine at codon 1356 is replaced by serine, an amino acid with dissimilar properties. This amino acid position is conserved. In addition, this alteration is predicted to be deleterious by in silico analysis. Since supporting evidence is limited at this time, the clinical significance of this alteration remains unclear.

NM_000492.4(CFTR):c.4067T>C (p.Leu1356Ser)

Gene: CFTR (CF transmembrane conductance regulator; plus strand). Cytogenetic location: 7q31.2.
Variant type: single nucleotide variant.
Coding change: c.4067T>C on transcript NM_000492.4 (MANE Select); coding-DNA position 4067, T replaced by C.
Protein change: p.Leu1356Ser; replaces leucine 1356 with serine.
Molecular consequence: missense variant.
Genome position (GRCh38, 1-based): chr7:117,664,791, T>C. VCF-style: chr7-117664791-T-C. GRCh37 (hg19) VCF-style: chr7-117304845-T-C.
Other names: short protein forms L1356S.
Identifiers: ClinVar variation 1737509 (VCV001737509.2), dbSNP rs1252048837, ClinGen allele CA368982655.